The following is an entry in ClinVar:

ClinVar aggregate classification (germline): Likely benign (0 of 4 stars; one submission).

Conditions:
HSD3B7-related disorder. Also called: HSD3B7-related condition.

Submission:

PreventionGenetics, part of Exact Sciences
Classification: Likely benign for HSD3B7-related condition. Last evaluated: 2024-02-29. Review status: no assertion criteria provided. Collection method: clinical testing. Allele origin: germline.
Comment: This variant is classified as likely benign based on ACMG/AMP sequence variant interpretation guidelines (Richards et al. 2015 PMID: 25741868, with internal and published modifications).

NM_025193.4(HSD3B7):c.432-3C>T

Gene: HSD3B7 (hydroxy-delta-5-steroid dehydrogenase, 3 beta- and steroid delta-isomerase 7; plus strand). Cytogenetic location: 16p11.2.
Variant type: single nucleotide variant.
Coding change: c.432-3C>T on transcript NM_025193.4 (MANE Select); 3 bases into the intron before coding-DNA position 432, C replaced by T.
Molecular consequence: intron variant.
Genome position (GRCh38, 1-based): chr16:30,986,602, C>T. VCF-style: chr16-30986602-C-T. GRCh37 (hg19) VCF-style: chr16-30997923-C-T.
Other names: c.432-3C>T (NM_001142777.2, NM_001142778.2).
Identifiers: ClinVar variation 3030510 (VCV003030510.2), dbSNP rs1182547088, ClinGen allele CA719897801.